The following is an entry in ClinVar:

ClinVar aggregate classification (germline): Uncertain significance. Review status: criteria provided, multiple submitters, no conflicts (2 of 4 stars). 6 submissions from 6 submitters: Uncertain significance (6). Last evaluated 2026-10-01.

Conditions:
Endometrial carcinoma. Also called: Endometrial carcinoma, somatic. Identifiers: MedGen C0476089, MONDO:0002447, OMIM 608089, HP:0012114.
Familial adenomatous polyposis 4 (FAP4). Also called: MSH3-related attenuated familial adenomatous polyposis. Identifiers: Orphanet 480536, MedGen C4310719, MONDO:0044300, OMIM 617100.
Hereditary cancer-predisposing syndrome. Also called: Neoplastic Syndromes, Hereditary; Hereditary neoplastic syndrome; Hereditary Cancer Syndrome; Tumor predisposition. Identifiers: Orphanet 140162, MedGen C0027672, MeSH D009386, MONDO:0015356.

Allele frequency attached by ClinVar (database versions not stated): gnomAD 0.00006 and 0.00005; gnomAD exomes 0.00001; TOPMed 0.00005.
gnomAD v4.1: 18 of 1,613,796 alleles (0.0011%); highest among the groups gnomAD compares: African/African-American, 0.023%; no homozygotes.

Submissions (6):

St. Jude Molecular Pathology, St. Jude Children's Research Hospital
Classification: Uncertain significance for Familial adenomatous polyposis 4. Last evaluated: 2026-10-01. Review status: criteria provided, single submitter. Criteria: St. Jude Assertion Criteria 2020. Collection method: clinical testing. Allele origin: germline.
Comment: The MSH3 c.3364T>C p.(Trp1122Arg) missense change has a maximum subpopulation frequency of 0.01% in gnomAD v2.1.1. The in silico tool REVEL predicts a benign effect on protein function, but to our knowledge this prediction has not been confirmed by functional studies. To our knowledge, this variant has not been reported in individuals with MSH3-associated polyposis syndrome. In summary, the evidence currently available is insufficient to determine the clinical significance of this variant. It has therefore been classified as of uncertain significance.

Labcorp Genetics (formerly Invitae), Labcorp
Classification: Uncertain significance. Last evaluated: 2026-01-21. Review status: criteria provided, single submitter. Criteria: Invitae Variant Classification Sherloc (09022015). Collection method: clinical testing. Allele origin: germline.
Comment: This sequence change replaces tryptophan, which is neutral and slightly polar, with arginine, which is basic and polar, at codon 1122 of the MSH3 protein (p.Trp1122Arg). This variant is present in population databases (no rsID available, gnomAD 0.01%). This variant has not been reported in the literature in individuals affected with MSH3-related conditions. ClinVar contains an entry for this variant (Variation ID: 659774). An algorithm developed to predict the effect of missense changes on protein structure and function outputs the following: PolyPhen-2: "Benign". The arginine amino acid residue is found in multiple mammalian species, which suggests that this missense change does not adversely affect protein function. In summary, the available evidence is currently insufficient to determine the role of this variant in disease. Therefore, it has been classified as a Variant of Uncertain Significance.

Quest Diagnostics Nichols Institute San Juan Capistrano
Classification: Uncertain significance. Last evaluated: 2025-06-10. Review status: criteria provided, single submitter. Criteria: Quest Diagnostics criteria. Collection method: clinical testing. Allele origin: unknown.
Comment: The MSH3 c.3364T>C (p.Trp1122Arg) variant has not been reported in individuals with MSH3-related conditions in the published literature. The frequency of this variant in the general population (Genome Aggregation Database) is uninformative in the assessment of its pathogenicity. Analysis of this variant using bioinformatics tools for the prediction of the effect of amino acid changes on protein structure and function yielded inconclusive and benign findings. Based on the available information, we are unable to determine the clinical significance of this variant.

Ambry Genetics
Classification: Uncertain significance for Hereditary cancer-predisposing syndrome. Last evaluated: 2025-02-12. Review status: criteria provided, single submitter. Criteria: Ambry Variant Classification Scheme 2023. Collection method: clinical testing. Allele origin: germline.

GeneDx
Classification: Uncertain significance. Last evaluated: 2024-04-30. Review status: criteria provided, single submitter. Criteria: GeneDx Variant Classification Process June 2021. Collection method: clinical testing. Allele origin: germline.
Comment: Not observed at significant frequency in large population cohorts (gnomAD); In silico analysis supports that this missense variant has a deleterious effect on protein structure/function; Has not been previously published as pathogenic or benign to our knowledge

Baylor Genetics
Classification: Uncertain significance for Endometrial carcinoma. Last evaluated: 2023-08-27. Review status: criteria provided, single submitter. Criteria: ACMG Guidelines, 2015. Collection method: clinical testing. Allele origin: unknown.

NM_002439.5(MSH3):c.3364T>C (p.Trp1122Arg)

Gene: MSH3 (mutS homolog 3; plus strand). Cytogenetic location: 5q14.1.
Variant type: single nucleotide variant.
Coding change: c.3364T>C on transcript NM_002439.5 (MANE Select); coding-DNA position 3364, T replaced by C.
Protein change: p.Trp1122Arg; replaces tryptophan 1122 with arginine.
Molecular consequence: missense variant.
Genome position (GRCh38, 1-based): chr5:80,875,812, T>C. VCF-style: chr5-80875812-T-C. GRCh37 (hg19) VCF-style: chr5-80171631-T-C.
Other names: short protein forms W1122R.
Identifiers: ClinVar variation 659774 (VCV000659774.16), dbSNP rs1037707651, ClinGen allele CA121753335.
Genomic context (GRCh38, chr5:80,875,812, plus strand): 5'-AAGAGACTCAAGTATTTTGCAAAGTTATGGACGATGCATAATGCACAAGACCTGCAGAAG[T>C]GGACAGAGGAGTTCAACATGGAAGAAACACAGACTTCTCTTCTTCATTAAAATGAAGACT-3'
Protein context (NP_002430.3, residues 1112-1132): TMHNAQDLQK[Trp1122Arg]TEEFNMEETQ